The following is an entry in ClinVar:

NM_016327.3(UPB1):c.36C>A (p.Cys12Ter)

Gene: UPB1 (beta-ureidopropionase 1; plus strand). Cytogenetic location: 22q11.23.
Variant type: single nucleotide variant.
Coding change: c.36C>A on transcript NM_016327.3 (MANE Select); coding-DNA position 36, C replaced by A.
Protein change: p.Cys12Ter; replaces cysteine 12 with a stop codon.
Molecular consequence: nonsense.
Genome position (GRCh38, 1-based): chr22:24,495,439, C>A. VCF-style: chr22-24495439-C-A. GRCh37 (hg19) VCF-style: chr22-24891407-C-A.
Other names: short protein forms C12*.
Identifiers: ClinVar variation 4884232 (VCV004884232.2).

ClinVar aggregate classification (germline): Likely pathogenic (1 of 4 stars; one submission).

Conditions:
Deficiency of beta-ureidopropionase (UPB1D). Also called: Beta-ureidopropionase deficiency. Identifiers: Orphanet 65287, MedGen C1291512, MONDO:0013164, OMIM 613161.

Submission:

Dasa
Classification: Likely pathogenic for beta-ureidopropionase deficiency. Last evaluated: 2025-09-27. Review status: criteria provided, single submitter. Criteria: DASA Assertion Criteria. Collection method: clinical testing. Allele origin: germline.
Comment: NM_016327.3(UPB1):c.36C>A (p.Cys12*) is a nonsense variant in UPB1 predicted to introduce a premature termination codon and is predicted to result in an absent or altered protein product. Loss of function is an established disease mechanism for UPB1-associated disorders. Also, this variant is absent from population databases. Based on the currently available evidence, this variant is classified as likely pathogenic.